The following is an entry in ClinVar:

ClinVar aggregate classification (germline): Uncertain significance. Review status: criteria provided, multiple submitters, no conflicts (2 of 4 stars). 2 submissions from 2 submitters: Uncertain significance (2). Last evaluated 2024-12-26.

Conditions:
Inborn genetic diseases. Identifiers: MedGen C0950123, MeSH D030342.

gnomAD v4.1: 7 of 1,607,988 alleles (0.00044%); highest among the groups gnomAD compares: Non-Finnish European, 0.0006%; no homozygotes.

Submissions (2):

Labcorp Genetics (formerly Invitae), Labcorp
Classification: Uncertain significance. Last evaluated: 2024-12-26. Review status: criteria provided, single submitter. Criteria: Invitae Variant Classification Sherloc (09022015). Collection method: clinical testing. Allele origin: germline.
Comment: This sequence change replaces asparagine, which is neutral and polar, with serine, which is neutral and polar, at codon 599 of the OPA1 protein (p.Asn599Ser). This variant is not present in population databases (gnomAD no frequency). This variant has not been reported in the literature in individuals affected with OPA1-related conditions. ClinVar contains an entry for this variant (Variation ID: 2988418). Invitae Evidence Modeling of protein sequence and biophysical properties (such as structural, functional, and spatial information, amino acid conservation, physicochemical variation, residue mobility, and thermodynamic stability) indicates that this missense variant is not expected to disrupt OPA1 protein function with a negative predictive value of 80%. In summary, the available evidence is currently insufficient to determine the role of this variant in disease. Therefore, it has been classified as a Variant of Uncertain Significance.

Ambry Genetics
Classification: Uncertain significance for Inborn genetic diseases. Last evaluated: 2024-05-29. Review status: criteria provided, single submitter. Criteria: Ambry Variant Classification Scheme 2023. Collection method: clinical testing. Allele origin: germline.

NM_130837.3(OPA1):c.1961A>G (p.Asn654Ser)

Gene: OPA1 (OPA1 mitochondrial dynamin like GTPase; plus strand). Cytogenetic location: 3q29.
Variant type: single nucleotide variant.
Coding change: c.1961A>G on transcript NM_130837.3 (MANE Select); coding-DNA position 1961, A replaced by G.
Protein change: p.Asn654Ser; replaces asparagine 654 with serine.
Molecular consequence: missense variant.
Genome position (GRCh38, 1-based): chr3:193,648,820, A>G. VCF-style: chr3-193648820-A-G. GRCh37 (hg19) VCF-style: chr3-193366609-A-G.
Other names: c.1424A>G, p.Asn475Ser (NM_001354664.2); c.1796A>G, p.Asn599Ser (NM_015560.3); c.1688A>G, p.Asn563Ser (NM_130831.3); c.1742A>G, p.Asn581Ser (NM_130832.3); c.1799A>G, p.Asn600Ser (NM_130833.3); c.1850A>G, p.Asn617Ser (NM_130834.3); c.1853A>G, p.Asn618Ser (NM_130835.3); c.1907A>G, p.Asn636Ser (NM_130836.3); and 1 more; short protein forms N475S, N599S, N600S, N618S, N476S, N581S, N617S, N636S.
Identifiers: ClinVar variation 2988418 (VCV002988418.4), dbSNP rs1488406021, ClinGen allele CA355790832.